The following is an entry in ClinVar:

ClinVar aggregate classification (germline): Pathogenic (1 of 4 stars; one submission).

Conditions:
Neonatal-onset encephalopathy with rigidity and seizures. Also called: Lethal neonatal spasticity-epileptic encephalopathy syndrome. Identifiers: Orphanet 435845, MedGen C3281029, MONDO:0013784, OMIM 614498.

Submission:

Labcorp Genetics (formerly Invitae), Labcorp
Classification: Pathogenic for Neonatal-onset encephalopathy with rigidity and seizures. Last evaluated: 2021-12-02. Review status: criteria provided, single submitter. Criteria: Invitae Variant Classification Sherloc (09022015). Collection method: clinical testing. Allele origin: germline.
Comment: This variant is a gross deletion of the genomic region encompassing exon(s) 2-4 of the BRAT1 gene, which includes the initiator codon. This deletion extends beyond the assayed region for this gene and therefore may encompass additional genes. It is expected to result in an absent or disrupted protein product. Loss-of-function variants in BRAT1 are known to be pathogenic (PMID: 22279524, 25500575). This variant has not been reported in the literature in individuals affected with BRAT1-related conditions. For these reasons, this variant has been classified as Pathogenic.

Literature cited by the submitters: PubMed 22279524; PubMed 25500575.

NC_000007.14:g.(?_2544889)_(2554451_?)del

Gene: BRAT1 (BRCA1 associated ATM activator 1; minus strand). Cytogenetic location: 7p22.3.
Variant type: Deletion.
Identifiers: ClinVar variation 472924 (VCV000472924.3).